The following is an entry in ClinVar:

NM_000535.7(PMS2):c.1435C>G (p.His479Asp)

Gene: PMS2 (PMS1 homolog 2, mismatch repair system component; minus strand). Cytogenetic location: 7p22.1.
Variant type: single nucleotide variant.
Coding change: c.1435C>G on transcript NM_000535.7 (MANE Select); coding-DNA position 1435, C replaced by G.
Protein change: p.His479Asp; replaces histidine 479 with aspartic acid.
Molecular consequence: missense variant. On other transcripts: non-coding transcript variant (1).
Genome position (GRCh38, 1-based): chr7:5,987,330, G>C on the plus strand (C>G on the coding strand, the complement: PMS2 is on the minus strand). VCF-style: chr7-5987330-G-C. GRCh37 (hg19) VCF-style: chr7-6026961-G-C.
Other names: c.1030C>G, p.His344Asp (NM_001322003.2, NM_001322004.2, NM_001322005.2 and 1 more transcripts); c.1279C>G, p.His427Asp (NM_001322006.2); c.1117C>G, p.His373Asp (NM_001322007.2, NM_001322008.2); c.874C>G, p.His292Asp (NM_001322010.2); c.502C>G, p.His168Asp (NM_001322011.2, NM_001322012.2); c.862C>G, p.His288Asp (NM_001322013.2); c.1435C>G, p.His479Asp (NM_001322014.2); c.1126C>G, p.His376Asp (NM_001322015.2); short protein forms H479D, H344D, H373D, H376D, H427D, H168D, H288D, H292D.
Identifiers: ClinVar variation 216450 (VCV000216450.25), dbSNP rs376344586, ClinGen allele CA043547.

ClinVar aggregate classification (germline): Conflicting classifications of pathogenicity. Review status: criteria provided, conflicting classifications (1 of 4 stars). 9 submissions from 9 submitters: Uncertain significance (5); Likely benign (3). 1 of the submissions does not count toward it. Last evaluated 2026-01-06.

Conditions:
Hereditary nonpolyposis colorectal neoplasms. Identifiers: MedGen C0009405, MeSH D003123.
Hereditary cancer-predisposing syndrome. Also called: Neoplastic Syndromes, Hereditary; Tumor predisposition; Hereditary Cancer Syndrome; Hereditary neoplastic syndrome. Identifiers: Orphanet 140162, MedGen C0027672, MeSH D009386, MONDO:0015356.
Lynch syndrome. Identifiers: Orphanet 144, MedGen C4552100, MONDO:0005835. Disease mechanism: loss of function.
Lynch syndrome 4 (LYNCH4). Also called: Colorectal cancer, hereditary nonpolyposis, type 4; Hereditary non-polyposis colorectal cancer, type 4. Identifiers: Orphanet 144, MedGen C1838333, MONDO:0013699, OMIM 614337. Disease mechanism: loss of function.

Allele frequency attached by ClinVar (database versions not stated): TOPMed 0.00001; ExAC 0.00002; gnomAD exomes 0.00002; ESP Exome Variant Server 0.00008.
gnomAD v4.1: 23 of 1,614,124 alleles (0.0014%); highest among the groups gnomAD compares: Non-Finnish European, 0.0019%; no homozygotes.

Submissions (9):

Labcorp Genetics (formerly Invitae), Labcorp
Classification: Likely benign for Hereditary nonpolyposis colorectal neoplasms. Last evaluated: 2026-01-06. Review status: criteria provided, single submitter. Criteria: Invitae Variant Classification Sherloc (09022015). Collection method: clinical testing. Allele origin: germline.

Color Diagnostics, LLC DBA Color Health
Classification: Likely benign for Hereditary cancer-predisposing syndrome. Last evaluated: 2025-07-15. Review status: criteria provided, single submitter. Criteria: ACMG Guidelines, 2015. Collection method: clinical testing. Allele origin: germline.

Ambry Genetics
Classification: Likely benign for Hereditary cancer-predisposing syndrome. Last evaluated: 2024-10-08. Review status: criteria provided, single submitter. Criteria: Ambry Variant Classification Scheme 2023. Collection method: clinical testing. Allele origin: germline.

GeneDx
Classification: Uncertain significance. Last evaluated: 2024-08-20. Review status: criteria provided, single submitter. Criteria: GeneDx Variant Classification Process June 2021. Collection method: clinical testing. Allele origin: germline. Affected: yes.
Comment: Not observed at significant frequency in large population cohorts (gnomAD); In silico analysis indicates that this missense variant does not alter protein structure/function; Has not been previously published as pathogenic or benign to our knowledge

Blueprint Genetics
Classification: Uncertain significance. Last evaluated: 2023-12-01. Review status: criteria provided, single submitter. Criteria: ACMG Guidelines, 2015. Collection method: clinical testing. Allele origin: germline.

All of Us Research Program, National Institutes of Health
Classification: Uncertain significance for Lynch syndrome. Last evaluated: 2023-09-09. Review status: criteria provided, single submitter. Criteria: ACMG Guidelines, 2015. Collection method: clinical testing. Allele origin: germline. Inheritance: Autosomal dominant inheritance. Observed: 4 variant alleles, 4 heterozygotes.
Comment: This missense variant replaces histidine with aspartic acid at codon 479 of the PMS2 protein. Computational prediction suggests that this variant may not impact protein structure and function (internally defined REVEL score threshold <= 0.5, PMID: 27666373). To our knowledge, functional studies have not been reported for this variant. This variant has not been reported in individuals affected with PMS2-related disorders in the literature. This variant has been identified in 4/251486 chromosomes in the general population by the Genome Aggregation Database (gnomAD). The available evidence is insufficient to determine the role of this variant in disease conclusively. Therefore, this variant is classified as a Variant of Uncertain Significance.

This study involves interpretation of variants in research participants for the purpose of population health screening. Participant phenotype was not available at the time of variant classification. Additional details can be found in publication PMID: 35346344, PMCID: PMC8962531

Women's Health and Genetics/Laboratory Corporation of America, LabCorp
Classification: Uncertain significance. Last evaluated: 2019-05-02. Review status: criteria provided, single submitter. Criteria: LabCorp Variant Classification Summary - May 2015. Collection method: clinical testing. Allele origin: germline.
Comment: Variant summary: PMS2 c.1435C>G (p.His479Asp) results in a non-conservative amino acid change in the encoded protein sequence. Four of five in-silico tools predict a benign effect of the variant on protein function. The variant allele was found at a frequency of 1.6e-05 in 251486 control chromosomes (gnomAD). Although, this observation needs to be cautiously considered due to the technology used does not decipher between PMS2 and the pseudogene. The available data on variant occurrences in the general population are insufficient to allow any conclusion about variant significance. To our knowledge, no occurrence of c.1435C>G in individuals affected with Lynch Syndrome and no experimental evidence demonstrating its impact on protein function have been reported. Four ClinVar submissions from clinical diagnostic laboratories (evaluation after 2014) cites the variant three times as uncertain significance and once as likely benign. Based on the evidence outlined above, the variant was classified as uncertain significance.

Illumina Laboratory Services, Illumina
Classification: Uncertain significance for Lynch syndrome 4. Last evaluated: 2018-01-12. Review status: criteria provided, single submitter. Criteria: ICSL Variant Classification Criteria 13 December 2019. Collection method: clinical testing. Allele origin: germline.

True Health Diagnostics
Classification: Likely benign for Hereditary cancer-predisposing syndrome. Last evaluated: 2018-05-09. Review status: no assertion criteria provided. Collection method: clinical testing. Allele origin: germline. Not counted in ClinVar's aggregate classification.